The following is an entry in ClinVar:

NM_000045.4(ARG1):c.374C>T (p.Ala125Val)

Genes: ARG1 (arginase 1; plus strand), MED23 (mediator complex subunit 23; minus strand). Cytogenetic location: 6q23.2.
Variant type: single nucleotide variant.
Coding change: c.374C>T on transcript NM_000045.4 (MANE Select); coding-DNA position 374, C replaced by T.
Protein change: p.Ala125Val; replaces alanine 125 with valine.
Molecular consequence: missense variant. On other transcripts: non-coding transcript variant (1), intron variant (3).
Genome position (GRCh38, 1-based): chr6:131,581,287, C>T. VCF-style: chr6-131581287-C-T. GRCh37 (hg19) VCF-style: chr6-131902427-C-T.
Other names: c.398C>T, p.Ala133Val (NM_001244438.2); c.306-1773C>T (NM_001369020.1); c.4077+6422G>A (NM_001270521.2); c.4095+6422G>A (NM_015979.4); short protein forms A125V, A133V.
Identifiers: ClinVar variation 2678232 (VCV002678232.5), dbSNP rs2482369125, ClinGen allele CA365651031.
Genomic context (GRCh38, chr6:131,581,287, plus strand): 5'-TTGGAAGCATCTCTGGCCATGCCAGGGTCCACCCTGATCTTGGAGTCATCTGGGTGGATG[C>T]TCACACTGATATCAACACTCCACTGACAACCACAAGTGGAAACTTGCATGGACAACCTGT-3'
Protein context (NP_000036.2, residues 115-135): HPDLGVIWVD[Ala125Val]HTDINTPLTT

ClinVar aggregate classification (germline): Likely pathogenic. Review status: criteria provided, multiple submitters, no conflicts (2 of 4 stars). 2 submissions from 2 submitters: Likely pathogenic (2). Last evaluated 2024-03-20.

Conditions:
Arginase deficiency. Also called: ARGININEMIA; ARG1 DEFICIENCY; Arginase 1 Deficiency. Identifiers: Orphanet 90, MedGen C0268548, MONDO:0008814, OMIM 207800.

Submissions (2):

Baylor Genetics
Classification: Likely pathogenic for Arginase deficiency. Last evaluated: 2024-03-20. Review status: criteria provided, single submitter. Criteria: ACMG Guidelines, 2015. Collection method: clinical testing. Allele origin: unknown.

Labcorp Genetics (formerly Invitae), Labcorp
Classification: Likely pathogenic for Arginase deficiency. Last evaluated: 2023-03-08. Review status: criteria provided, single submitter. Criteria: Invitae Variant Classification Sherloc (09022015). Collection method: clinical testing. Allele origin: germline.
Comment: Advanced modeling of protein sequence and biophysical properties (such as structural, functional, and spatial information, amino acid conservation, physicochemical variation, residue mobility, and thermodynamic stability) performed at Invitae indicates that this missense variant is expected to disrupt ARG1 protein function. In summary, the currently available evidence indicates that the variant is pathogenic, but additional data are needed to prove that conclusively. Therefore, this variant has been classified as Likely Pathogenic. This missense change has been observed in individual(s) with arginase deficiency (PMID: 23859858). In at least one individual the data is consistent with being in trans (on the opposite chromosome) from a pathogenic variant. This variant is not present in population databases (gnomAD no frequency). This sequence change replaces alanine, which is neutral and non-polar, with valine, which is neutral and non-polar, at codon 125 of the ARG1 protein (p.Ala125Val).

Literature cited by the submitters: PubMed 23859858 (cited by Labcorp Genetics (formerly Invitae), Labcorp).